The following is an entry in ClinVar:

NM_001754.5(RUNX1):c.59-16C>T

Gene: RUNX1 (RUNX family transcription factor 1; minus strand). Cytogenetic location: 21q22.12.
Variant type: single nucleotide variant.
Coding change: c.59-16C>T on transcript NM_001754.5 (MANE Select); 16 bases into the intron before coding-DNA position 59, C replaced by T.
Molecular consequence: intron variant.
Genome position (GRCh38, 1-based): chr21:34,892,979, G>A on the plus strand (C>T on the coding strand, the complement: RUNX1 is on the minus strand). VCF-style: chr21-34892979-G-A. GRCh37 (hg19) VCF-style: chr21-36265276-G-A.
Identifiers: ClinVar variation 2756262 (VCV002756262.4), dbSNP rs2517536357, ClinGen allele CA2697547497.

ClinVar aggregate classification (germline): Likely benign. Review status: reviewed by expert panel (3 of 4 stars). 2 submissions from 2 submitters: Likely benign (1). 1 of the submissions does not count toward it. Last evaluated 2024-11-04.

Conditions:
Hereditary thrombocytopenia and hematological cancer predisposition syndrome associated with RUNX1. Also called: Familial Platelet Disorder with Propensity to Acute Myelogenous Leukemia; Familial thrombocytopenia with propensity to acute myelogenous leukemia; PLATELET DISORDER, ASPIRIN-LIKE; RUNX1 Familial Platelet Disorder with Associated Myeloid Malignancies. Identifiers: Orphanet 71290, MedGen C1832388, MeSH C563324, MONDO:0100083, OMIM 601399.
Hereditary thrombocytopenia and hematologic cancer predisposition syndrome. Identifiers: Orphanet 71290, MedGen CN281654, MONDO:0011071.

Submissions (2):

ClinGen Myeloid Malignancy Variant Curation Expert Panel
Classification: Likely benign for Hereditary thrombocytopenia and hematologic cancer predisposition syndrome. Last evaluated: 2024-11-04. Review status: reviewed by expert panel. Criteria: ClinGen MyeloMalig ACMG Specifications v2. Collection method: curation. Allele origin: germline. Inheritance: Autosomal dominant inheritance.
Comment: NM_001754.5(RUNX1):c.59-16C>T is a intronic variant. PM2_supporting This variant is completely absent from all population databases with at least 20x coverage for RUNX1 in gnomAD v2.1.1 and v3.1.2 (PM2_supporting). Evolutionary conservation prediction algorithms predict the site as not being conserved (PhyloP score -0.422 < 2.0 or the variant is the reference nucleotide in one primate and/or three mammal species) (BP7). No splicing impact or creation of cryptic splice sites predicted by SSF and MES. Splice AI predicts no impact to splicing (score: 0.03) (BP4). In summary, this variant meets criteria to be classified as likely benign. ACMG/AMP criteria applied, as specified by the Myeloid Malignancy Variant Curation Expert Panel for RUNX1: PM2_supporting, BP4, BP7.

Labcorp Genetics (formerly Invitae), Labcorp
Classification: Likely benign for Hereditary thrombocytopenia and hematological cancer predisposition syndrome associated with RUNX1. Last evaluated: 2023-12-26. Review status: criteria provided, single submitter. Criteria: Invitae Variant Classification Sherloc (09022015). Collection method: clinical testing. Allele origin: germline. Not counted in ClinVar's aggregate classification.